The following is an entry in ClinVar:

ClinVar aggregate classification (germline): Likely benign (1 of 4 stars; one submission).

Allele frequency attached by ClinVar (database versions not stated): gnomAD 0.00001.

Submission:

CeGaT Center for Human Genetics Tuebingen
Classification: Likely benign. Last evaluated: 2023-10-01. Review status: criteria provided, single submitter. Criteria: CeGaT Center For Human Genetics Tuebingen Variant Classification Criteria Version 2. Collection method: clinical testing. Allele origin: germline. Affected: yes. Observed: 4 variant alleles.
Comment: ZNF99: BP4, BP7

NM_001080409.3(ZNF99):c.1272C>T (p.Pro424=)

Gene: ZNF99 (zinc finger protein 99; minus strand). Cytogenetic location: 19p12.
Variant type: single nucleotide variant.
Coding change: c.1272C>T on transcript NM_001080409.3 (MANE Select); coding-DNA position 1272, C replaced by T.
Protein change: p.Pro424=; no amino-acid change (proline 424 retained).
Molecular consequence: synonymous variant.
Genome position (GRCh38, 1-based): chr19:22,758,637, G>A on the plus strand (C>T on the coding strand, the complement: ZNF99 is on the minus strand). VCF-style: chr19-22758637-G-A. GRCh37 (hg19) VCF-style: chr19-22941439-G-A.
Identifiers: ClinVar variation 2649657 (VCV002649657.24), dbSNP rs1329016854, ClinGen allele CA506620156.
Genomic context (GRCh38, chr19:22,758,637, plus strand): 5'-CTTATGTTTTCTAAGGGCTGAGAAACGCTTAAAAGCTTTGCCACATTCTTCACATTTGCA[G>A]GGTTTCTCTGCAGTATGAATTACCTTATGTACAGTAAGTTTTGAGGACCACTTAAAAGCT-3'
Protein context (NP_001073878.2, residues 414-434): VHKVIHTAEK[Pro424=]CKCEECGKAF